The following is an entry in ClinVar:

ClinVar aggregate classification (germline): Pathogenic (1 of 4 stars; one submission).

Submission:

Labcorp Genetics (formerly Invitae), Labcorp
Classification: Pathogenic. Last evaluated: 2020-01-03. Review status: criteria provided, single submitter. Criteria: Invitae Variant Classification Sherloc (09022015). Collection method: clinical testing. Allele origin: germline.
Comment: This sequence change creates a premature translational stop signal (p.Glu842Glyfs*52) in the CPSF1 gene. It is expected to result in an absent or disrupted protein product. The frequency data for this variant in the population databases is considered unreliable, as metrics indicate insufficient coverage at this position in the ExAC database. For these reasons, this variant has been classified as Pathogenic. Loss-of-function variants in CPSF1 are known to be pathogenic (PMID: 30689892). This variant has not been reported in the literature in individuals with CPSF1-related conditions.

Literature cited by the submitters: PubMed 30689892.

NM_013291.3(CPSF1):c.2524dup (p.Glu842fs)

Gene: CPSF1 (cleavage and polyadenylation specific factor 1; minus strand). Cytogenetic location: 8q24.3.
Variant type: Duplication.
Coding change: c.2524dup on transcript NM_013291.3 (MANE Select); coding-DNA position 2524, one base duplicated (G; older notation c.2524dupG).
Protein change: p.Glu842fs; shifts the reading frame from glutamic acid 842.
Molecular consequence: frameshift variant.
Genome position (GRCh38, 1-based): chr8:144,397,275, C duplicated on the plus strand (G on the coding strand, the reverse complement: CPSF1 is on the minus strand); the first of 5 consecutive C bases (chr8:144,397,275-144,397,279); duplicating any one gives the same sequence. VCF-style (leftmost placement, unchanged base first): chr8-144397274-T-TC. GRCh37 (hg19) VCF-style: chr8-145622489-T-TC.
Other names: short protein forms E842fs.
Identifiers: ClinVar variation 1074846 (VCV001074846.5), dbSNP rs2130766210, ClinGen allele CA2499219167.